The following is an entry in ClinVar:

ClinVar aggregate classification (germline): Conflicting classifications of pathogenicity. Review status: criteria provided, conflicting classifications (1 of 4 stars). 5 submissions from 4 submitters: Uncertain significance (4); Benign (1). Last evaluated 2025-09-21.

Conditions:
Adams-Oliver syndrome 5 (AOS5). Identifiers: Orphanet 974, MedGen C4014970, MONDO:0014459, OMIM 616028.
Aortic valve disease 1 (AOVD1). Identifiers: MedGen C3887892, MONDO:0024523, OMIM 109730.

Allele frequency attached by ClinVar (database versions not stated): gnomAD 0.00001; TOPMed 0.00002.
gnomAD v4.1: 22 of 1,613,138 alleles (0.0014%); highest among the groups gnomAD compares: Non-Finnish European, 0.0018%; no homozygotes.

Submissions (5):

Labcorp Genetics (formerly Invitae), Labcorp
Classification: Benign for Adams-Oliver syndrome 5. Last evaluated: 2025-09-21. Review status: criteria provided, single submitter. Criteria: Invitae Variant Classification Sherloc (09022015). Collection method: clinical testing. Allele origin: germline.

GeneDx
Classification: Uncertain significance. Last evaluated: 2024-05-13. Review status: criteria provided, single submitter. Criteria: GeneDx Variant Classification Process June 2021. Collection method: clinical testing. Allele origin: germline. Affected: yes.
Comment: Not observed at significant frequency in large population cohorts (gnomAD); In silico analysis supports that this missense variant has a deleterious effect on protein structure/function; Has not been previously published as pathogenic or benign to our knowledge

Genome-Nilou Lab
Classification: Uncertain significance for Adams-Oliver syndrome 5. Last evaluated: 2022-03-15. Review status: criteria provided, single submitter. Criteria: ACMG Guidelines, 2015. Collection method: clinical testing. Allele origin: germline. Affected: no.

Genome-Nilou Lab
Classification: Uncertain significance for Aortic valve disease 1. Last evaluated: 2022-03-15. Review status: criteria provided, single submitter. Criteria: ACMG Guidelines, 2015. Collection method: clinical testing. Allele origin: germline. Affected: no.

Illumina Laboratory Services, Illumina
Classification: Uncertain significance for Aortic valve disease 1. Last evaluated: 2020-11-19. Review status: criteria provided, single submitter. Criteria: ICSLVariantClassificationCriteria RUGD 01 April 2020. Collection method: clinical testing. Allele origin: unknown.
Comment: The NOTCH1 c.5972G>A (p.Arg1991His) variant is a missense variant. A literature search was performed for the gene, cDNA change, and amino acid change. No publications were found based on this search. The variant is reported at a frequency of 0.000165 in the Other population from the Genome Aggregation Database though this is based on one allele in a region of good sequencing coverage, so the variant is presumed to be rare. Based on the limited evidence, the p.Arg1991His variant is classified as a variant of uncertain significance for aortic valve disease.

NM_017617.5(NOTCH1):c.5972G>A (p.Arg1991His)

Genes: NOTCH1 (notch receptor 1; minus strand), LOC126860794 (BRD4-independent group 4 enhancer GRCh37_chr9:139392592-139393791; plus strand). Cytogenetic location: 9q34.3.
Variant type: single nucleotide variant.
Coding change: c.5972G>A on transcript NM_017617.5 (MANE Select); coding-DNA position 5972, G replaced by A.
Protein change: p.Arg1991His; replaces arginine 1991 with histidine.
Molecular consequence: missense variant.
Genome position (GRCh38, 1-based): chr9:136,499,222, C>T on the plus strand (G>A on the coding strand, the complement: NOTCH1 is on the minus strand). VCF-style: chr9-136499222-C-T. GRCh37 (hg19) VCF-style: chr9-139393674-C-T.
Other names: c.5972G>A, p.Arg1991His (LRG_1122t1); short protein forms R1991H.
Identifiers: ClinVar variation 477955 (VCV000477955.14), dbSNP rs1371022203, ClinGen allele CA375634790.